The following is an entry in ClinVar:

ClinVar aggregate classification (germline): Benign (1 of 4 stars; one submission).

Conditions:
Pseudohypoaldosteronism type 2C (PHA2C). Also called: Pseudohypoaldosteronism Type IIC. Identifiers: Orphanet 757, Orphanet 88940, MedGen C1840391, MONDO:0013778, OMIM 614492.

Allele frequency attached by ClinVar (database versions not stated): 1000 Genomes Project 0.02097; gnomAD 0.02195 and 0.02385; 1000 Genomes Project 30x 0.02295; TOPMed 0.02497.

Submission:

Illumina Laboratory Services, Illumina
Classification: Benign for Pseudohypoaldosteronism type 2C. Last evaluated: 2018-01-13. Review status: criteria provided, single submitter. Criteria: ICSL Variant Classification Criteria 13 December 2019. Collection method: clinical testing. Allele origin: germline.
Comment: This variant was observed in the ICSL laboratory as part of a predisposition screen in an ostensibly healthy population. It had not been previously curated by ICSL or reported in the Human Gene Mutation Database (HGMD: prior to June 1st, 2018), and was therefore a candidate for classification through an automated scoring system. Utilizing variant allele frequency, disease prevalence and penetrance estimates, and inheritance mode, an automated score was calculated to assess if this variant is too frequent to cause the disease. Based on the score and internal cut-off values, a variant classified as benign is not then subjected to further curation. The score for this variant resulted in a classification of benign for this disease.

NM_018979.4(WNK1):c.*1146G>A

Gene: WNK1 (WNK lysine deficient protein kinase 1; plus strand). Cytogenetic location: 12p13.33.
Variant type: single nucleotide variant.
Coding change: c.*1146G>A on transcript NM_018979.4 (MANE Select); 1146 bases downstream of the stop codon, G replaced by A.
Molecular consequence: 3 prime UTR variant.
Genome position (GRCh38, 1-based): chr12:909,938, G>A. VCF-style: chr12-909938-G-A. GRCh37 (hg19) VCF-style: chr12-1019104-G-A.
Other names: c.*1146G>A (NM_001184985.2, NM_014823.3, NM_213655.5).
Identifiers: ClinVar variation 306688 (VCV000306688.5), dbSNP rs78913352, ClinGen allele CA10633684.